The following is an entry in ClinVar:

ClinVar aggregate classification (germline): Pathogenic/Likely pathogenic. Review status: criteria provided, multiple submitters, no conflicts (2 of 4 stars). 2 submissions from 2 submitters: Pathogenic (1); Likely pathogenic (1). Last evaluated 2025-06-05.

Submissions (2):

Mayo Clinic Laboratories, Mayo Clinic
Classification: Likely pathogenic. Last evaluated: 2025-06-05. Review status: criteria provided, single submitter. Criteria: ACMG Guidelines, 2015. Collection method: clinical testing. Allele origin: germline. Observed: 1 variant allele.
Comment: PM2_supporting, PVS1

Labcorp Genetics (formerly Invitae), Labcorp
Classification: Pathogenic. Last evaluated: 2024-02-05. Review status: criteria provided, single submitter. Criteria: Invitae Variant Classification Sherloc (09022015). Collection method: clinical testing. Allele origin: germline.
Comment: This sequence change creates a premature translational stop signal (p.Ile1477Asnfs*2) in the VPS13C gene. It is expected to result in an absent or disrupted protein product. Loss-of-function variants in VPS13C are known to be pathogenic (PMID: 26942284, 34875562). The frequency data for this variant in the population databases is considered unreliable, as metrics indicate poor data quality at this position in the gnomAD database. This variant has not been reported in the literature in individuals affected with VPS13C-related conditions. Algorithms developed to predict the effect of sequence changes on RNA splicing suggest that this variant may disrupt the consensus splice site. For these reasons, this variant has been classified as Pathogenic.

Literature cited by the submitters: PubMed 26942284 (cited by Labcorp Genetics (formerly Invitae), Labcorp); PubMed 34875562 (cited by Labcorp Genetics (formerly Invitae), Labcorp).

NM_020821.3(VPS13C):c.4429dup (p.Ile1477fs)

Gene: VPS13C (vacuolar protein sorting 13 homolog C; minus strand). Cytogenetic location: 15q22.2.
Variant type: Duplication.
Coding change: c.4429dup on transcript NM_020821.3 (MANE Select); coding-DNA position 4429, one base duplicated (A; older notation c.4429dupA).
Protein change: p.Ile1477fs; shifts the reading frame from isoleucine 1477.
Molecular consequence: frameshift variant.
Genome position (GRCh38, 1-based): chr15:61,951,851, T duplicated on the plus strand (A on the coding strand, the reverse complement: VPS13C is on the minus strand); the first of 8 consecutive T bases (chr15:61,951,851-61,951,858); duplicating any one gives the same sequence. VCF-style (leftmost placement, unchanged base first): chr15-61951850-A-AT. GRCh37 (hg19) VCF-style: chr15-62244049-A-AT.
Other names: p.Ile1477Asnfs*2; c.4429dup, p.Ile1477fs (NM_001018088.3); c.4300dup, p.Ile1434fs (NM_017684.5, NM_018080.4); short protein forms I1434fs, I1477fs.
Identifiers: ClinVar variation 2822600 (VCV002822600.4), dbSNP rs756149444, ClinGen allele CA618225412.